The following is an entry in ClinVar:

NM_000053.4(ATP7B):c.3882A>C (p.Ala1294=)

Gene: ATP7B (ATPase copper transporting beta; minus strand). Cytogenetic location: 13q14.3.
Variant type: single nucleotide variant.
Coding change: c.3882A>C on transcript NM_000053.4 (MANE Select); coding-DNA position 3882, A replaced by C.
Protein change: p.Ala1294=; no amino-acid change (alanine 1294 retained).
Molecular consequence: synonymous variant. On other transcripts: intron variant (1).
Genome position (GRCh38, 1-based): chr13:51,937,497, T>G on the plus strand (A>C on the coding strand, the complement: ATP7B is on the minus strand). VCF-style: chr13-51937497-T-G. GRCh37 (hg19) VCF-style: chr13-52511633-T-G.
Other names: c.3630A>C, p.Ala1210= (NM_001330579.2, NM_001406531.1, NM_001406532.1); c.3882A>C, p.Ala1294= (NM_001406511.1, NM_001406512.1); c.3876A>C, p.Ala1292= (NM_001406513.1); c.3849A>C, p.Ala1283= (NM_001406514.1); c.3828A>C, p.Ala1276= (NM_001406515.1, NM_001406516.1); c.3786A>C, p.Ala1262= (NM_001406517.1, NM_001406518.1); c.3747A>C, p.Ala1249= (NM_001406519.1); c.3738A>C, p.Ala1246= (NM_001406520.1, NM_001406521.1, NM_001406522.1); and 21 more.
Identifiers: ClinVar variation 3387343 (VCV003387343.2).

ClinVar aggregate classification (germline): Likely benign. Review status: criteria provided, multiple submitters, no conflicts (2 of 4 stars). 2 submissions from 2 submitters: Likely benign (2). Last evaluated 2025-07-21.

Conditions:
Wilson disease (WND). Also called: Wilson's disease. Identifiers: Orphanet 905, MedGen C0019202, MONDO:0010200, OMIM 277900. Disease mechanism: loss of function.

Submissions (2):

Labcorp Genetics (formerly Invitae), Labcorp
Classification: Likely benign for Wilson disease. Last evaluated: 2025-07-21. Review status: criteria provided, single submitter. Criteria: Invitae Variant Classification Sherloc (09022015). Collection method: clinical testing. Allele origin: germline.

All of Us Research Program, National Institutes of Health
Classification: Likely benign for Wilson disease. Last evaluated: 2024-05-14. Review status: criteria provided, single submitter. Criteria: ACMG Guidelines, 2015. Collection method: clinical testing. Allele origin: germline. Inheritance: Autosomal recessive inheritance. Observed: 1 variant allele, 1 heterozygote.
Comment: This study involves interpretation of variants in research participants for the purpose of population health screening. Participant phenotype was not available at the time of variant classification. Additional details can be found in publication PMID: 35346344, PMCID: PMC8962531